The following is an entry in ClinVar:

NM_000138.5(FBN1):c.1570_1571del (p.Thr524fs)

Gene: FBN1 (fibrillin 1; minus strand). Cytogenetic location: 15q21.1.
Variant type: Deletion.
Coding change: c.1570_1571del on transcript NM_000138.5 (MANE Select); coding-DNA positions 1570 to 1571, 2 bases deleted (AC; older notation c.1570_1571delAC).
Protein change: p.Thr524fs; shifts the reading frame from threonine 524.
Molecular consequence: frameshift variant.
Genome position (GRCh38, 1-based): chr15:48,513,566-48,513,567, GT deleted on the plus strand (AC on the coding strand, the reverse complement: FBN1 is on the minus strand); deleting any 2 consecutive bases within chr15:48,513,566-48,513,568 gives the same sequence; the c. name uses the placement nearest the transcript's 3' end. VCF-style (leftmost placement, unchanged base first): chr15-48513565-CGT-C. GRCh37 (hg19) VCF-style: chr15-48805762-CGT-C.
Other names: short protein forms T524fs.
Identifiers: ClinVar variation 838980 (VCV000838980.7), dbSNP rs2043777735, ClinGen allele CA916082423.

ClinVar aggregate classification (germline): Pathogenic (1 of 4 stars; one submission).

Conditions:
Familial thoracic aortic aneurysm and aortic dissection (TAAD). Also called: Thoracic aortic aneurysms and dissections. Identifiers: Orphanet 91387, MedGen C4707243, MONDO:0019625.
Marfan syndrome (MFS). Also called: FBN1-Related Marfan Syndrome; Marfan's syndrome; MARFAN SYNDROME, TYPE I; Marfan syndrome type 1; Marfan syndrome, classic. Identifiers: Orphanet 284963, Orphanet 558, MedGen C0024796, MONDO:0007947, OMIM 154700.

Submission:

Labcorp Genetics (formerly Invitae), Labcorp
Classification: Pathogenic for Marfan syndrome; Familial thoracic aortic aneurysm and aortic dissection. Last evaluated: 2022-06-27. Review status: criteria provided, single submitter. Criteria: Invitae Variant Classification Sherloc (09022015). Collection method: clinical testing. Allele origin: germline.
Comment: This variant has not been reported in the literature in individuals affected with FBN1-related conditions. For these reasons, this variant has been classified as Pathogenic. ClinVar contains an entry for this variant (Variation ID: 838980). This variant is not present in population databases (gnomAD no frequency). This sequence change creates a premature translational stop signal (p.Thr524Alafs*8) in the FBN1 gene. It is expected to result in an absent or disrupted protein product. Loss-of-function variants in FBN1 are known to be pathogenic (PMID: 17657824, 19293843).

Literature cited by the submitters: PubMed 17657824; PubMed 19293843.